The following is an entry in ClinVar:

NM_000548.5(TSC2):c.2783C>G (p.Pro928Arg)

Gene: TSC2 (TSC complex subunit 2; plus strand). Cytogenetic location: 16p13.3.
Variant type: single nucleotide variant.
Coding change: c.2783C>G on transcript NM_000548.5 (MANE Select); coding-DNA position 2783, C replaced by G.
Protein change: p.Pro928Arg; replaces proline 928 with arginine.
Molecular consequence: missense variant.
Genome position (GRCh38, 1-based): chr16:2,076,531, C>G. VCF-style: chr16-2076531-C-G. GRCh37 (hg19) VCF-style: chr16-2126532-C-G.
Other names: c.2783C>G, p.Pro928Arg (NM_001077183.3, NM_001114382.3, NM_001363528.2 and 3 more transcripts); c.2672C>G, p.Pro891Arg (NM_001318827.2); c.2636C>G, p.Pro879Arg (NM_001318829.2); c.2183C>G, p.Pro728Arg (NM_001318831.2); c.2816C>G, p.Pro939Arg (NM_001318832.2); short protein forms P728R, P879R, P891R, P928R, P939R.
Identifiers: ClinVar variation 1052659 (VCV001052659.12), dbSNP rs2151394997, ClinGen allele CA394279956.

ClinVar aggregate classification (germline): Uncertain significance. Review status: criteria provided, multiple submitters, no conflicts (2 of 4 stars). 2 submissions from 2 submitters: Uncertain significance (2). Last evaluated 2025-07-23.

Conditions:
Hereditary cancer-predisposing syndrome. Also called: Hereditary Cancer Syndrome; Tumor predisposition; Hereditary neoplastic syndrome; Neoplastic Syndromes, Hereditary. Identifiers: Orphanet 140162, MedGen C0027672, MeSH D009386, MONDO:0015356.
Tuberous sclerosis 2 (TSC2). Identifiers: Orphanet 805, MedGen C1860707, MONDO:0013199, OMIM 613254.

Submissions (2):

Ambry Genetics
Classification: Uncertain significance for Hereditary cancer-predisposing syndrome. Last evaluated: 2025-07-23. Review status: criteria provided, single submitter. Criteria: Ambry Variant Classification Scheme 2023. Collection method: clinical testing. Allele origin: germline.
Comment: The p.P928R variant (also known as c.2783C>G), located in coding exon 24 of the TSC2 gene, results from a C to G substitution at nucleotide position 2783. The proline at codon 928 is replaced by arginine, an amino acid with dissimilar properties. This amino acid position is well conserved in available vertebrate species. In addition, this alteration is predicted to be deleterious by in silico analysis. Based on the available evidence, the clinical significance of this variant remains unclear.

Labcorp Genetics (formerly Invitae), Labcorp
Classification: Uncertain significance for Tuberous sclerosis 2. Last evaluated: 2020-06-17. Review status: criteria provided, single submitter. Criteria: Invitae Variant Classification Sherloc (09022015). Collection method: clinical testing. Allele origin: germline.
Comment: This sequence change replaces proline with arginine at codon 928 of the TSC2 protein (p.Pro928Arg). The proline residue is moderately conserved and there is a moderate physicochemical difference between proline and arginine. This variant is not present in population databases (ExAC no frequency). In summary, the available evidence is currently insufficient to determine the role of this variant in disease. Therefore, it has been classified as a Variant of Uncertain Significance. Algorithms developed to predict the effect of missense changes on protein structure and function are either unavailable or do not agree on the potential impact of this missense change (SIFT: "Tolerated"; PolyPhen-2: "Possibly Damaging"; Align-GVGD: "Class C0"). This variant has not been reported in the literature in individuals with TSC2-related conditions.